The following is an entry in ClinVar:

ClinVar aggregate classification (germline): Conflicting classifications of pathogenicity. Review status: criteria provided, conflicting classifications (1 of 4 stars). 9 submissions from 9 submitters: Uncertain significance (6); Likely benign (2). 1 of the submissions does not count toward it. Last evaluated 2026-01-13.

Conditions:
Familial pancreatic carcinoma. Identifiers: Orphanet 1333, MedGen C2931038, MONDO:0015278, OMIM 260350.
Hereditary cancer-predisposing syndrome. Also called: Hereditary neoplastic syndrome; Neoplastic Syndromes, Hereditary; Tumor predisposition; Hereditary Cancer Syndrome. Identifiers: Orphanet 140162, MedGen C0027672, MeSH D009386, MONDO:0015356.
Hereditary breast ovarian cancer syndrome. Also called: Breast and ovarian cancer; BRCA1- and BRCA2-Associated Hereditary Breast and Ovarian Cancer; Hereditary breast and/or ovarian cancer syndrome; Hereditary breast and ovarian cancer; Hereditary breast and ovarian cancer syndrome; Hereditary breast and ovarian cancer syndrome (HBOC). Identifiers: Orphanet 145, MedGen C0677776, MeSH D061325, MONDO:0003582. Disease mechanism: loss of function.
Breast-ovarian cancer, familial, susceptibility to, 2 (BROVCA2). Also called: BRCA2 Hereditary Breast and Ovarian Cancer. Identifiers: Orphanet 145, MedGen C2675520, MONDO:0012933, OMIM 612555. Disease mechanism: loss of function.

Allele frequency attached by ClinVar (database versions not stated): gnomAD exomes below 0.00001.
gnomAD v4.1: 3 of 1,614,064 alleles (0.00019%); highest among the groups gnomAD compares: Non-Finnish European, 0.00017%; no homozygotes.

Submissions (9):

Labcorp Genetics (formerly Invitae), Labcorp
Classification: Likely benign for Hereditary breast ovarian cancer syndrome. Last evaluated: 2026-01-13. Review status: criteria provided, single submitter. Criteria: Invitae Variant Classification Sherloc (09022015). Collection method: clinical testing. Allele origin: germline.

Color Diagnostics, LLC DBA Color Health
Classification: Uncertain significance for Hereditary cancer-predisposing syndrome. Last evaluated: 2024-11-25. Review status: criteria provided, single submitter. Criteria: ACMG Guidelines, 2015. Collection method: clinical testing. Allele origin: germline.
Comment: This missense variant replaces glutamic acid with lysine at codon 718 of the BRCA2 protein. Computational prediction suggests that this variant may not impact protein structure and function. To our knowledge, functional studies have not been reported for this variant. A multifactorial analysis has reported a likelihood ratio for pathogenicity based on personal and family history of 0.556 from log(LR)=-0.254875869 for one carrier (PMID: 31853058). This variant has been identified in 1/251172 chromosomes in the general population by the Genome Aggregation Database (gnomAD). The available evidence is insufficient to determine the role of this variant in disease conclusively. Therefore, this variant is classified as a Variant of Uncertain Significance.

Ambry Genetics
Classification: Uncertain significance for Hereditary cancer-predisposing syndrome. Last evaluated: 2024-08-04. Review status: criteria provided, single submitter. Criteria: Ambry Variant Classification Scheme 2023. Collection method: clinical testing. Allele origin: germline.
Comment: The p.E718K variant (also known as c.2152G>A), located in coding exon 10 of the BRCA2 gene, results from a G to A substitution at nucleotide position 2152. The glutamic acid at codon 718 is replaced by lysine, an amino acid with similar properties. This amino acid position is not well conserved in available vertebrate species. In addition, this alteration is predicted to be tolerated by in silico analysis. Since supporting evidence is limited at this time, the clinical significance of this alteration remains unclear.

GeneDx
Classification: Uncertain significance. Last evaluated: 2023-05-08. Review status: criteria provided, single submitter. Criteria: GeneDx Variant Classification Process June 2021. Collection method: clinical testing. Allele origin: germline. Affected: yes.
Comment: Has not been previously published as pathogenic or benign to our knowledge; Not observed at significant frequency in large population cohorts (gnomAD); In silico analysis supports that this missense variant does not alter protein structure/function; Also known as 2380G>A; This variant is associated with the following publications: (PMID: 31911673)

University of Washington Department of Laboratory Medicine, University of Washington
Classification: Likely benign for Hereditary cancer-predisposing syndrome. Last evaluated: 2023-03-23. Review status: criteria provided, single submitter. Criteria: Dines et al. (Genet Med. 2020). Collection method: curation. Allele origin: germline.
Comment: Missense variant in a coldspot region where missense variants are very unlikely to be pathogenic (PMID:31911673).

BRCA2 exon 11 coldspot. Reclassification based on statistical prior probability.

Sema4
Classification: Uncertain significance for Hereditary cancer-predisposing syndrome. Last evaluated: 2021-09-16. Review status: criteria provided, single submitter. Criteria: Sema4 Curation Guidelines. Collection method: curation. Allele origin: germline.
Comment: To the best of our knowledge, the BRCA2 c.2152G>A (p.E718K) variant has not been reported as a germline variant in individuals with BRCA2-related disease. It was observed in 1/113608 chromosomes of the Non-Finnish European subpopulation in the large and broad cohorts of the Genome Aggregation Database (PMID: 32461654). The variant has been reported in ClinVar (Variation ID: 37775). Functional studies have not been performed, and in silico predictions of the variant's effect on protein function are inconclusive. The evidence is insufficient to meet ACMG/AMP criteria for classifying the variant as benign or pathogenic. Thus, the clinical significance of this variant is currently uncertain.

Department of Pathology and Laboratory Medicine, Sinai Health System
Classification: Uncertain significance for Familial pancreatic carcinoma. Last evaluated: 2020-02-19. Review status: criteria provided, single submitter. Criteria: ACMG Guidelines, 2015. Collection method: clinical testing. Allele origin: germline. Affected: yes.

Molecular Genetics Laboratory, University of Michigan
Classification: Uncertain significance for Breast-ovarian cancer, familial, susceptibility to, 2. Last evaluated: 2016-04-21. Review status: criteria provided, single submitter. Criteria: ACMG Guidelines, 2015. Collection method: clinical testing. Allele origin: germline. Affected: yes.

Sharing Clinical Reports Project (SCRP)
Classification: Uncertain significance for Breast-ovarian cancer, familial 2. Last evaluated: 2012-02-10. Review status: no assertion criteria provided. Collection method: clinical testing. Allele origin: germline. Not counted in ClinVar's aggregate classification.

Literature cited by the submitters: PubMed 31853058 (cited by Color Diagnostics, LLC DBA Color Health).

NM_000059.4(BRCA2):c.2152G>A (p.Glu718Lys)

Gene: BRCA2 (BRCA2 DNA repair associated; plus strand). Cytogenetic location: 13q13.1.
Variant type: single nucleotide variant.
Coding change: c.2152G>A on transcript NM_000059.4 (MANE Select); coding-DNA position 2152, G replaced by A.
Protein change: p.Glu718Lys; replaces glutamic acid 718 with lysine.
Molecular consequence: missense variant.
Genome position (GRCh38, 1-based): chr13:32,336,507, G>A. VCF-style: chr13-32336507-G-A. GRCh37 (hg19) VCF-style: chr13-32910644-G-A.
Other names: 2380G>A; short protein forms E718K.
Identifiers: ClinVar variation 37775 (VCV000037775.29), dbSNP rs397507281, ClinGen allele CA014465.